The following is an entry in ClinVar:

ClinVar aggregate classification (germline): Uncertain significance (1 of 4 stars; one submission).

Allele frequency attached by ClinVar (database versions not stated): gnomAD 0.00001; TOPMed 0.00002; ExAC 0.00004; gnomAD exomes 0.00005.
gnomAD v4.1: 74 of 1,605,130 alleles (0.0046%); highest among the groups gnomAD compares: South Asian, 0.022%; no homozygotes.

Submission:

Labcorp Genetics (formerly Invitae), Labcorp
Classification: Uncertain significance. Last evaluated: 2025-02-01. Review status: criteria provided, single submitter. Criteria: Invitae Variant Classification Sherloc (09022015). Collection method: clinical testing. Allele origin: germline.
Comment: This sequence change replaces arginine, which is basic and polar, with tryptophan, which is neutral and slightly polar, at codon 1159 of the SORL1 protein (p.Arg1159Trp). This variant is present in population databases (rs755000690, gnomAD 0.01%). This missense change has been observed in individual(s) with Alzheimer disease (PMID: 28789839). ClinVar contains an entry for this variant (Variation ID: 2910302). An algorithm developed to predict the effect of missense changes on protein structure and function (PolyPhen-2) suggests that this variant is likely to be disruptive. In summary, the available evidence is currently insufficient to determine the role of this variant in disease. Therefore, it has been classified as a Variant of Uncertain Significance.

Literature cited by the submitters: PubMed 28789839.

NM_003105.6(SORL1):c.3475C>T (p.Arg1159Trp)

Gene: SORL1 (sortilin related receptor 1; plus strand). Cytogenetic location: 11q24.1.
Variant type: single nucleotide variant.
Coding change: c.3475C>T on transcript NM_003105.6 (MANE Select); coding-DNA position 3475, C replaced by T.
Protein change: p.Arg1159Trp; replaces arginine 1159 with tryptophan.
Molecular consequence: missense variant.
Genome position (GRCh38, 1-based): chr11:121,577,295, C>T. VCF-style: chr11-121577295-C-T. GRCh37 (hg19) VCF-style: chr11-121448004-C-T.
Other names: short protein forms R1159W.
Identifiers: ClinVar variation 2910302 (VCV002910302.3), dbSNP rs755000690, ClinGen allele CA6329277.